The following is an entry in ClinVar:

NM_002273.4(KRT8):c.1265G>T (p.Gly422Val)

Gene: KRT8 (keratin 8; minus strand). Cytogenetic location: 12q13.13.
Variant type: single nucleotide variant.
Coding change: c.1265G>T on transcript NM_002273.4 (MANE Select); coding-DNA position 1265, G replaced by T.
Protein change: p.Gly422Val; replaces glycine 422 with valine.
Molecular consequence: missense variant. On other transcripts: non-coding transcript variant (1).
Genome position (GRCh38, 1-based): chr12:52,897,615, C>A on the plus strand (G>T on the coding strand, the complement: KRT8 is on the minus strand). VCF-style: chr12-52897615-C-A. GRCh37 (hg19) VCF-style: chr12-53291399-C-A.
Other names: c.1349G>T, p.Gly450Val (NM_001256282.2); c.1265G>T, p.Gly422Val (NM_001256293.2); short protein forms G422V, G450V.
Identifiers: ClinVar variation 1192140 (VCV001192140.2), dbSNP rs753856393, ClinGen allele CA6590270.
Genomic context (GRCh38, chr12:52,897,615, plus strand): 5'-CTGGAGCCCAGGCTGTAGCTGAGGCCGGGGCTTGTGAGGCCCCCATAGGCCGAGCTCAGA[C>A]CACCTGGTGAGGGACAGAGGTAGCCACATGAGTACAGAAGCCCACCCCATGGCAGGCTCC-3'
Protein context (NP_002264.1, residues 412-432): HTKTTSGYAG[Gly422Val]LSSAYGGLTS

ClinVar aggregate classification (germline): Uncertain significance (1 of 4 stars; one submission).

Allele frequency attached by ClinVar (database versions not stated): gnomAD exomes below 0.00001 and 0.00001; gnomAD 0.00001; ExAC 0.00002; TOPMed 0.00002.
gnomAD v4.1: 2 of 1,598,012 alleles (0.00013%); highest among the groups gnomAD compares: East Asian, 0.0045%; no homozygotes.

Submission:

GeneDx
Classification: Uncertain significance. Last evaluated: 2019-06-26. Review status: criteria provided, single submitter. Criteria: GeneDx Variant Classification Process June 2021. Collection method: clinical testing. Allele origin: germline. Affected: yes.
Comment: Reported in published literature in a patient with acute liver failure; however, additional details were not provided (Strnad et al., 2010); In silico analysis, which includes protein predictors and evolutionary conservation, supports a deleterious effect; This variant is associated with the following publications: (PMID: 20538000)